The following is an entry in ClinVar:

ClinVar aggregate classification (germline): Conflicting classifications of pathogenicity. Review status: criteria provided, conflicting classifications (1 of 4 stars). 4 submissions from 4 submitters: Uncertain significance (2); Likely benign (2). Last evaluated 2025-10-20.

Conditions:
Hereditary cancer-predisposing syndrome. Also called: Neoplastic Syndromes, Hereditary; Tumor predisposition; Hereditary neoplastic syndrome; Hereditary Cancer Syndrome. Identifiers: Orphanet 140162, MedGen C0027672, MeSH D009386, MONDO:0015356.
Hereditary breast ovarian cancer syndrome. Also called: BRCA1- and BRCA2-Associated Hereditary Breast and Ovarian Cancer; Hereditary breast and ovarian cancer; Hereditary breast and ovarian cancer syndrome; Hereditary breast and ovarian cancer syndrome (HBOC); Breast and ovarian cancer; Hereditary breast and/or ovarian cancer syndrome. Identifiers: Orphanet 145, MedGen C0677776, MeSH D061325, MONDO:0003582. Disease mechanism: loss of function.

gnomAD v4.1: 4 of 1,606,750 alleles (0.00025%); highest among the groups gnomAD compares: Non-Finnish European, 0.00034%; no homozygotes.

Submissions (4):

Labcorp Genetics (formerly Invitae), Labcorp
Classification: Uncertain significance for Hereditary breast ovarian cancer syndrome. Last evaluated: 2025-10-20. Review status: criteria provided, single submitter. Criteria: Invitae Variant Classification Sherloc (09022015). Collection method: clinical testing. Allele origin: germline.
Comment: This sequence change replaces histidine, which is basic and polar, with arginine, which is basic and polar, at codon 2093 of the BRCA2 protein (p.His2093Arg). This variant is not present in population databases (gnomAD no frequency). This variant has not been reported in the literature in individuals affected with BRCA2-related conditions. ClinVar contains an entry for this variant (Variation ID: 1354772). Invitae Evidence Modeling of protein sequence and biophysical properties (such as structural, functional, and spatial information, amino acid conservation, physicochemical variation, residue mobility, and thermodynamic stability) indicates that this missense variant is not expected to disrupt BRCA2 protein function with a negative predictive value of 95%. In summary, the available evidence is currently insufficient to determine the role of this variant in disease. Therefore, it has been classified as a Variant of Uncertain Significance.

Quest Diagnostics Nichols Institute San Juan Capistrano
Classification: Uncertain significance. Last evaluated: 2024-07-02. Review status: criteria provided, single submitter. Criteria: Quest Diagnostics criteria. Collection method: clinical testing. Allele origin: unknown.
Comment: The BRCA2 c.6278A>G (p.His2093Arg) variant has been reported in the published literature in an individual with breast cancer as well as in a reportedly healthy individual in a large scale breast cancer association study (PMID: 33471991 (2021), see also LOVD). It was also described to be located in a region of the BRCA2 gene that is tolerant to missense sequence changes (PMID: 31911673 (2020)). This variant has not been reported in large, multi-ethnic general populations (Genome Aggregation Database). Analysis of this variant using bioinformatics tools for the prediction of the effect of amino acid changes on protein structure and function yielded predictions that this variant is benign. Based on the available information, we are unable to determine the clinical significance of this variant.

Ambry Genetics
Classification: Likely benign for Hereditary cancer-predisposing syndrome. Last evaluated: 2024-01-09. Review status: criteria provided, single submitter. Criteria: Ambry Variant Classification Scheme 2023. Collection method: clinical testing. Allele origin: germline.

University of Washington Department of Laboratory Medicine, University of Washington
Classification: Likely benign for Hereditary cancer-predisposing syndrome. Last evaluated: 2023-03-23. Review status: criteria provided, single submitter. Criteria: Dines et al. (Genet Med. 2020). Collection method: curation. Allele origin: germline.
Comment: Missense variant in a coldspot region where missense variants are very unlikely to be pathogenic (PMID:31911673).

BRCA2 exon 11 coldspot. Reclassification based on statistical prior probability.

Literature cited by the submitters: PubMed 31911673 (cited by Quest Diagnostics Nichols Institute San Juan Capistrano); PubMed 33471991 (cited by Quest Diagnostics Nichols Institute San Juan Capistrano).

NM_000059.4(BRCA2):c.6278A>G (p.His2093Arg)

Gene: BRCA2 (BRCA2 DNA repair associated; plus strand). Cytogenetic location: 13q13.1.
Variant type: single nucleotide variant.
Coding change: c.6278A>G on transcript NM_000059.4 (MANE Select); coding-DNA position 6278, A replaced by G.
Protein change: p.His2093Arg; replaces histidine 2093 with arginine.
Molecular consequence: missense variant.
Genome position (GRCh38, 1-based): chr13:32,340,633, A>G. VCF-style: chr13-32340633-A-G. GRCh37 (hg19) VCF-style: chr13-32914770-A-G.
Other names: short protein forms H2093R.
Identifiers: ClinVar variation 1354772 (VCV001354772.12), dbSNP rs1218113889, ClinGen allele CA387788985.